The following is an entry in ClinVar:

NM_020812.4(DOCK6):c.2855_2859del (p.Leu952fs)

Gene: DOCK6 (dedicator of cytokinesis 6; minus strand). Cytogenetic location: 19p13.2.
Variant type: Deletion.
Coding change: c.2855_2859del on transcript NM_020812.4 (MANE Select); coding-DNA positions 2855 to 2859, 5 bases deleted (TAGAC; older notation c.2855_2859delTAGAC).
Protein change: p.Leu952fs; shifts the reading frame from leucine 952.
Molecular consequence: frameshift variant.
Genome position (GRCh38, 1-based): chr19:11,227,433-11,227,437, GTCTA deleted on the plus strand (TAGAC on the coding strand, the reverse complement: DOCK6 is on the minus strand); deleting any 5 consecutive bases within chr19:11,227,433-11,227,440 gives the same sequence; the c. name uses the placement nearest the transcript's 3' end. VCF-style (leftmost placement, unchanged base first): chr19-11227432-TGTCTA-T. GRCh37 (hg19) VCF-style: chr19-11338108-TGTCTA-T.
Other names: c.2960_2964del, p.Leu987fs (NM_001367830.1); short protein forms L952fs, L987fs.
Identifiers: ClinVar variation 4880767 (VCV004880767.2).

ClinVar aggregate classification (germline): Likely pathogenic (1 of 4 stars; one submission).

Submission:

Dasa
Classification: Likely pathogenic. Last evaluated: 2024-12-26. Review status: criteria provided, single submitter. Criteria: DASA Assertion Criteria. Collection method: clinical testing. Allele origin: germline.
Comment: NM_020812.4(DOCK6):c.2855_2859del (p.Leu952Hisfs*50) is a frameshift variant in DOCK6 predicted to alter the reading frame and introduce a premature termination codon and is predicted to result in an absent or altered protein product. Loss of function is an established disease mechanism for DOCK6-associated disorders. Also, this variant is absent from population databases. Based on the currently available evidence, this variant is classified as likely pathogenic.